The following is an entry in ClinVar:

NM_003172.4(SURF1):c.273del (p.Ile91fs)

Gene: SURF1 (SURF1 cytochrome c oxidase assembly factor; minus strand). Cytogenetic location: 9q34.2.
Variant type: Deletion.
Coding change: c.273del on transcript NM_003172.4 (MANE Select); coding-DNA position 273, one base deleted (T; older notation c.273delT).
Protein change: p.Ile91fs; shifts the reading frame from isoleucine 91.
Molecular consequence: frameshift variant. On other transcripts: 5 prime UTR variant (1).
Genome position (GRCh38, 1-based): chr9:133,354,709, A deleted on the plus strand (T on the coding strand, the reverse complement: SURF1 is on the minus strand); the first of 2 consecutive A bases (chr9:133,354,709-133,354,710); deleting either gives the same sequence. VCF-style (leftmost placement, unchanged base first): chr9-133354708-CA-C. GRCh37 (hg19) VCF-style: chr9-136221563-CA-C.
Other names: c.-55del (NM_001280787.1); short protein forms I91fs.
Identifiers: ClinVar variation 1388760 (VCV001388760.6), dbSNP rs2119085056, ClinGen allele CA2573144310.

ClinVar aggregate classification (germline): Pathogenic (1 of 4 stars; one submission).

Conditions:
Leigh syndrome (NULS). Also called: Leigh's syndrome; Leigh Disease; Subacute necrotizing encephalopathy; Necrotizing encephalopathy infantile subacute of Leigh; LEIGH SYNDROME, NUCLEAR; Leigh Syndrome (mtDNA deletion). Identifiers: Orphanet 506, MedGen C2931891, MONDO:0009723, OMIM 256000.

Submission:

Labcorp Genetics (formerly Invitae), Labcorp
Classification: Pathogenic for Leigh syndrome. Last evaluated: 2021-07-28. Review status: criteria provided, single submitter. Criteria: Invitae Variant Classification Sherloc (09022015). Collection method: clinical testing. Allele origin: germline.
Comment: This variant is not present in population databases (ExAC no frequency). For these reasons, this variant has been classified as Pathogenic. This variant has not been reported in the literature in individuals affected with SURF1-related conditions. This sequence change creates a premature translational stop signal (p.Ile91Metfs*22) in the SURF1 gene. It is expected to result in an absent or disrupted protein product. Loss-of-function variants in SURF1 are known to be pathogenic (PMID: 10443880, 22488715, 24027061).

Literature cited by the submitters: PubMed 10443880; PubMed 22488715; PubMed 24027061.